The following is an entry in ClinVar:

NM_020750.3(XPO5):c.3447A>T (p.Gln1149His)

Genes: POLR1C (RNA polymerase I and III subunit C; plus strand), XPO5 (exportin 5; minus strand). Cytogenetic location: 6p21.1.
Variant type: single nucleotide variant.
Coding change: c.3447A>T on transcript NM_020750.3 (MANE Select); coding-DNA position 3447, A replaced by T.
Protein change: p.Gln1149His; replaces glutamine 1149 with histidine.
Molecular consequence: missense variant. On other transcripts: non-coding transcript variant (1), intron variant (2).
Genome position (GRCh38, 1-based): chr6:43,524,501, T>A on the plus strand (A>T on the coding strand, the complement: XPO5 is on the minus strand). VCF-style: chr6-43524501-T-A. GRCh37 (hg19) VCF-style: chr6-43492239-T-A.
Other names: c.922+3453T>A (NM_001363658.2, NM_001318876.2); short protein forms Q1149H.
Identifiers: ClinVar variation 1413209 (VCV001413209.8), dbSNP rs200787086, ClinGen allele CA3825799.
Genomic context (GRCh38, chr6:43,524,501, plus strand): 5'-TGGGAGCACTATTGAAGGTGCATGACCTACCCCAATGCAACCAGCAATGAGGCGTTTGAA[T>A]TGGTCCTTTCGGCGCTTGTCAGCCACTTTCTGCAGGGAGGGGTTTAAAAGCTTGCAGTCA-3'
Protein context (NP_065801.1, residues 1139-1159): QKVADKRRKD[Gln1149His]FKRLIAGCIG

ClinVar aggregate classification (germline): Uncertain significance. Review status: criteria provided, single submitter (1 of 4 stars). 2 submissions from 2 submitters: Uncertain significance (1). 1 of the submissions does not count toward it. Last evaluated 2025-12-23.

Conditions:
XPO5-related disorder. Also called: XPO5-related condition.

Allele frequency attached by ClinVar (database versions not stated): ExAC 0.00044; gnomAD 0.00046 and 0.00044; TOPMed 0.00069; gnomAD exomes 0.00051 and 0.00048; ESP Exome Variant Server 0.00025.
gnomAD v4.1: 783 of 1,613,738 alleles (0.049%); highest among the groups gnomAD compares: Admixed American, 0.092%; 2 homozygotes.

Submissions (2):

Labcorp Genetics (formerly Invitae), Labcorp
Classification: Uncertain significance. Last evaluated: 2025-12-23. Review status: criteria provided, single submitter. Criteria: Invitae Variant Classification Sherloc (09022015). Collection method: clinical testing. Allele origin: germline.
Comment: This sequence change replaces glutamine, which is neutral and polar, with histidine, which is basic and polar, at codon 1149 of the XPO5 protein (p.Gln1149His). This variant is present in population databases (rs200787086, gnomAD 0.2%), and has an allele count higher than expected for a pathogenic variant. This variant has not been reported in the literature in individuals affected with XPO5-related conditions. ClinVar contains an entry for this variant (Variation ID: 1413209). An algorithm developed to predict the effect of missense changes on protein structure and function outputs the following: PolyPhen-2: "Benign". The histidine amino acid residue is found in multiple mammalian species, which suggests that this missense change does not adversely affect protein function. In summary, the available evidence is currently insufficient to determine the role of this variant in disease. Therefore, it has been classified as a Variant of Uncertain Significance.

PreventionGenetics, part of Exact Sciences
Classification: Likely benign for XPO5-related condition. Last evaluated: 2022-12-19. Review status: no assertion criteria provided. Collection method: clinical testing. Allele origin: germline. Not counted in ClinVar's aggregate classification.
Comment: This variant is classified as likely benign based on ACMG/AMP sequence variant interpretation guidelines (Richards et al. 2015 PMID: 25741868, with internal and published modifications).